The following is an entry in ClinVar:

ClinVar aggregate classification (germline): Uncertain significance (1 of 4 stars; one submission).

Conditions:
Autosomal recessive limb-girdle muscular dystrophy type 2E (LGMDR4). Also called: MUSCULAR DYSTROPHY, LIMB-GIRDLE, AUTOSOMAL RECESSIVE 4. Identifiers: Orphanet 119, MedGen C1858593, MONDO:0011423, OMIM 604286. Disease mechanism: Affects gamma-sarcoglycan and also disrupts the integrity of the entire sarcoglycan complex..

Submission:

Labcorp Genetics (formerly Invitae), Labcorp
Classification: Uncertain significance for Autosomal recessive limb-girdle muscular dystrophy type 2E. Last evaluated: 2021-08-27. Review status: criteria provided, single submitter. Criteria: Invitae Variant Classification Sherloc (09022015). Collection method: clinical testing. Allele origin: germline.
Comment: This sequence change replaces alanine with glutamic acid at codon 3 of the SGCB protein (p.Ala3Glu). The alanine residue is weakly conserved and there is a moderate physicochemical difference between alanine and glutamic acid. The frequency data for this variant in the population databases is considered unreliable, as metrics indicate insufficient coverage at this position in the ExAC database. This variant has not been reported in the literature in individuals affected with SGCB-related conditions. Algorithms developed to predict the effect of missense changes on protein structure and function are either unavailable or do not agree on the potential impact of this missense change (SIFT: "Tolerated"; PolyPhen-2: "Not Available"; Align-GVGD: "Class C0"). In summary, the available evidence is currently insufficient to determine the role of this variant in disease. Therefore, it has been classified as a Variant of Uncertain Significance.

NM_000232.5(SGCB):c.8C>A (p.Ala3Glu)

Genes: SGCB (sarcoglycan beta; minus strand), LOC129992585 (ATAC-STARR-seq lymphoblastoid silent region 15421; plus strand). Cytogenetic location: 4q12.
Variant type: single nucleotide variant.
Coding change: c.8C>A on transcript NM_000232.5 (MANE Select); coding-DNA position 8, C replaced by A.
Protein change: p.Ala3Glu; replaces alanine 3 with glutamic acid.
Molecular consequence: missense variant.
Genome position (GRCh38, 1-based): chr4:52,038,252, G>T on the plus strand (C>A on the coding strand, the complement: SGCB is on the minus strand). VCF-style: chr4-52038252-G-T. GRCh37 (hg19) VCF-style: chr4-52904418-G-T.
Other names: short protein forms A3E.
Identifiers: ClinVar variation 639848 (VCV000639848.6), dbSNP rs1578130059, ClinGen allele CA356878714.